The following is an entry in ClinVar:

NM_003119.4(SPG7):c.746G>A (p.Gly249Glu)

Gene: SPG7 (SPG7 matrix AAA peptidase subunit, paraplegin; plus strand). Cytogenetic location: 16q24.3.
Variant type: single nucleotide variant.
Coding change: c.746G>A on transcript NM_003119.4 (MANE Select); coding-DNA position 746, G replaced by A.
Protein change: p.Gly249Glu; replaces glycine 249 with glutamic acid.
Molecular consequence: missense variant.
Genome position (GRCh38, 1-based): chr16:89,526,456, G>A. VCF-style: chr16-89526456-G-A. GRCh37 (hg19) VCF-style: chr16-89592864-G-A.
Other names: c.746G>A, p.Gly249Glu (NM_001363850.1, NM_199367.3); short protein forms G249E.
Identifiers: ClinVar variation 2671796 (VCV002671796.1), dbSNP rs776018878, ClinGen allele CA8243749.

ClinVar aggregate classification (germline): Uncertain significance (1 of 4 stars; one submission).

Conditions:
Hereditary spastic paraplegia 7 (SPG7). Also called: Autosomal recessive spastic paraplegia type 7; SPASTIC PARAPLEGIA 7, AUTOSOMAL RECESSIVE, WITH OR WITHOUT CEREBELLAR ATAXIA; Spastic paraplegia 7; Hereditary spastic paraplegia Paraplegin type; SPG7-related neurologic disorder. Identifiers: Orphanet 99013, MedGen C1846564, MONDO:0011803, OMIM 607259.

Allele frequency attached by ClinVar (database versions not stated): ExAC 0.00001; TOPMed 0.00001.
gnomAD v4.1: 4 of 1,614,174 alleles (0.00025%); highest among the groups gnomAD compares: Admixed American, 0.0017%; no homozygotes.

Submission:

Neuberg Centre For Genomic Medicine, NCGM
Classification: Uncertain significance for Hereditary spastic paraplegia 7. Last evaluated: 2023-02-14. Review status: criteria provided, single submitter. Criteria: ACMG Guidelines, 2015. Collection method: clinical testing. Allele origin: germline. Inheritance: Autosomal recessive inheritance. Affected: yes.
Comment: The missense c.746G>A (p.Gly249Glu) variant in SPG7 gene has not been reported previously as a pathogenic variant nor as a benign variant, to our knowledge. The p.Gly249Glu variant has allele frequency 0.0008% in gnomAD Exomes and is novel (not in any individuals) in 1000 Genomes. This variant has not been reported to the ClinVar database. The amino acid change p.Gly249Glu in SPG7 is predicted as conserved by GERP++ and PhyloP across 100 vertebrates. The amino acid Gly at position 249 is changed to a Glu changing protein sequence and it might alter its composition and physico-chemical properties. For these reasons, this variant has been classified as Variant of Uncertain Significance (VUS).